The following is an entry in ClinVar:

ClinVar aggregate classification (germline): Uncertain significance (1 of 4 stars; one submission).

gnomAD v4.1: 4 of 1,614,132 alleles (0.00025%); highest among the groups gnomAD compares: Middle Eastern, 0.016%; no homozygotes.

Submission:

Labcorp Genetics (formerly Invitae), Labcorp
Classification: Uncertain significance. Last evaluated: 2022-03-04. Review status: criteria provided, single submitter. Criteria: Invitae Variant Classification Sherloc (09022015). Collection method: clinical testing. Allele origin: germline.
Comment: This sequence change replaces serine, which is neutral and polar, with arginine, which is basic and polar, at codon 409 of the LEMD3 protein (p.Ser409Arg). This variant is not present in population databases (gnomAD no frequency). This variant has not been reported in the literature in individuals affected with LEMD3-related conditions. Algorithms developed to predict the effect of missense changes on protein structure and function are either unavailable or do not agree on the potential impact of this missense change (SIFT: "Tolerated"; PolyPhen-2: "Probably Damaging"; Align-GVGD: "Class C0"). In summary, the available evidence is currently insufficient to determine the role of this variant in disease. Therefore, it has been classified as a Variant of Uncertain Significance.

NM_014319.5(LEMD3):c.1227T>G (p.Ser409Arg)

Gene: LEMD3 (LEM domain containing 3; plus strand). Cytogenetic location: 12q14.3.
Variant type: single nucleotide variant.
Coding change: c.1227T>G on transcript NM_014319.5 (MANE Select); coding-DNA position 1227, T replaced by G.
Protein change: p.Ser409Arg; replaces serine 409 with arginine.
Molecular consequence: missense variant.
Genome position (GRCh38, 1-based): chr12:65,170,823, T>G. VCF-style: chr12-65170823-T-G. GRCh37 (hg19) VCF-style: chr12-65564603-T-G.
Other names: c.1227T>G, p.Ser409Arg (NM_001167614.2); short protein forms S409R.
Identifiers: ClinVar variation 1962039 (VCV001962039.5), dbSNP rs1868521794, ClinGen allele CA385675345.